The following is an entry in ClinVar:

NM_001130438.3(SPTAN1):c.4658_4744dup (p.Asp1581_Pro1582insLeuGlnGlnPheSerArgAspValAspGluIleGluAlaTrpIleSerGluLysLeuGlnThrAlaSerAspGluSerTyrLysAsp)

Gene: SPTAN1 (spectrin alpha, non-erythrocytic 1; plus strand). Cytogenetic location: 9q34.11.
Variant type: Duplication.
Coding change: c.4658_4744dup on transcript NM_001130438.3 (MANE Select); coding-DNA positions 4658 to 4744, 87 bases duplicated.
Protein change: p.Asp1581_Pro1582insLeuGlnGlnPheSerArgAspValAspGluIleGluAlaTrpIleSerGluLysLeuGlnThrAlaSerAspGluSerTyrLysAsp.
Genome position (GRCh38, 1-based): chr9:128,609,184-128,609,270, 87 bases duplicated. GRCh37 (hg19): chr9:131,371,463-131,371,549.
Other names: c.4598_4684dup, p.Asp1561_Pro1562insLeuGlnGlnPheSerArgAspValAspGluIleGluAlaTrpIleSerGluLysLeuGlnThrAlaSerAspGluSerTyrLysAsp (NM_001195532.2, NM_001363765.2, NM_001375314.2); c.4658_4744dup, p.Asp1581_Pro1582insLeuGlnGlnPheSerArgAspValAspGluIleGluAlaTrpIleSerGluLysLeuGlnThrAlaSerAspGluSerTyrLysAsp (NM_001363759.2, NM_001375310.1, NM_001375311.2 and 2 more transcripts); c.4694_4780dup, p.Asp1593_Pro1594insLeuGlnGlnPheSerArgAspValAspGluIleGluAlaTrpIleSerGluLysLeuGlnThrAlaSerAspGluSerTyrLysAsp (NM_001375312.2, NM_001375318.1).
Identifiers: ClinVar variation 3907834 (VCV003907834.1).

ClinVar aggregate classification (germline): Uncertain significance (1 of 4 stars; one submission).

Submission:

GeneDx
Classification: Uncertain significance. Last evaluated: 2024-12-17. Review status: criteria provided, single submitter. Criteria: GeneDx Variant Classification Process June 2021. Collection method: clinical testing. Allele origin: germline. Affected: yes.
Comment: Has not been previously published as pathogenic or benign to our knowledge; In-frame duplication of 29 amino acid(s) in a non-repeat region; Not observed at significant frequency in large population cohorts (gnomAD)